The following is an entry in ClinVar:

NM_019842.4(KCNQ5):c.1467T>C (p.Asp489=)

Gene: KCNQ5 (potassium voltage-gated channel subfamily Q member 5; plus strand). Cytogenetic location: 6q13.
Variant type: single nucleotide variant.
Coding change: c.1467T>C on transcript NM_019842.4 (MANE Select); coding-DNA position 1467, T replaced by C.
Protein change: p.Asp489=; no amino-acid change (aspartic acid 489 retained).
Molecular consequence: synonymous variant. On other transcripts: intron variant (1).
Genome position (GRCh38, 1-based): chr6:73,133,640, T>C. VCF-style: chr6-73133640-T-C. GRCh37 (hg19) VCF-style: chr6-73843363-T-C.
Other names: c.1440T>C, p.Asp480= (NM_001160130.2); c.1497T>C, p.Asp499= (NM_001160132.2); c.1524T>C, p.Asp508= (NM_001160133.2); c.1247+9128T>C (NM_001160134.2).
Identifiers: ClinVar variation 3633031 (VCV003633031.2).

ClinVar aggregate classification (germline): Uncertain significance (1 of 4 stars; one submission).

gnomAD v4.1: 4 of 1,613,890 alleles (0.00025%); highest among the groups gnomAD compares: African/African-American, 0.004%; no homozygotes.

Submission:

Labcorp Genetics (formerly Invitae), Labcorp
Classification: Uncertain significance. Last evaluated: 2024-04-02. Review status: criteria provided, single submitter. Criteria: Invitae Variant Classification Sherloc (09022015). Collection method: clinical testing. Allele origin: germline.
Comment: This sequence change affects codon 508 of the KCNQ5 mRNA. It is a 'silent' change, meaning that it does not change the encoded amino acid sequence of the KCNQ5 protein. It affects a nucleotide within the consensus splice site. This variant is not present in population databases (gnomAD no frequency). This variant has not been reported in the literature in individuals affected with KCNQ5-related conditions. Algorithms developed to predict the effect of sequence changes on RNA splicing suggest that this variant is not likely to affect RNA splicing. In summary, the available evidence is currently insufficient to determine the role of this variant in disease. Therefore, it has been classified as a Variant of Uncertain Significance.